The following is an entry in ClinVar:

ClinVar aggregate classification (germline): Likely benign (1 of 4 stars; one submission).

Submission:

CeGaT Center for Human Genetics Tuebingen
Classification: Likely benign. Last evaluated: 2025-04-01. Review status: criteria provided, single submitter. Criteria: CeGaT Center For Human Genetics Tuebingen Variant Classification Criteria Version 2. Collection method: clinical testing. Allele origin: germline. Affected: yes. Observed: 1 variant allele.
Comment: RABL2A: PM2:Supporting, BP4, BP7

NM_001306158.2(RABL2A):c.507+9G>A

Gene: RABL2A (RAB, member of RAS oncogene family like 2A; plus strand). Cytogenetic location: 2q14.1.
Variant type: single nucleotide variant.
Coding change: c.507+9G>A on transcript NM_001306158.2 (MANE Select); 9 bases into the intron after coding-DNA position 507, G replaced by A.
Molecular consequence: intron variant. On other transcripts: synonymous variant (10).
Genome position (GRCh38, 1-based): chr2:113,641,459, G>A. VCF-style: chr2-113641459-G-A. GRCh37 (hg19) VCF-style: chr2-114399036-G-A.
Other names: c.513G>A, p.Leu171= (NM_001306160.3, NM_001354410.2); c.516G>A, p.Leu172= (NM_001354405.2, NM_001354406.2, NM_001354407.2 and 2 more transcripts); c.324G>A, p.Leu108= (NM_001354418.2, NM_001354419.2); c.261G>A, p.Leu87= (NM_001354425.2); c.507+9G>A (NM_001354414.2, NM_001354413.2, NM_001354412.2 and 2 more transcripts); c.315+9G>A (NM_001354423.2, NM_001306161.2, NM_001354421.2); c.504+9G>A (NM_001354416.2, NM_013412.4, NM_007082.5); c.231+9G>A (NM_001354427.2); and 3 more.
Identifiers: ClinVar variation 3898608 (VCV003898608.7).